The following is an entry in ClinVar:

ClinVar aggregate classification (germline): Uncertain significance (1 of 4 stars; one submission).

Submission:

Labcorp Genetics (formerly Invitae), Labcorp
Classification: Uncertain significance. Last evaluated: 2024-02-16. Review status: criteria provided, single submitter. Criteria: Invitae Variant Classification Sherloc (09022015). Collection method: clinical testing. Allele origin: germline.
Comment: This sequence change replaces proline, which is neutral and non-polar, with leucine, which is neutral and non-polar, at codon 1442 of the ALPK3 protein (p.Pro1442Leu). This variant is not present in population databases (gnomAD no frequency). This variant has not been reported in the literature in individuals affected with ALPK3-related conditions. An algorithm developed to predict the effect of missense changes on protein structure and function (PolyPhen-2) suggests that this variant is likely to be tolerated. In summary, the available evidence is currently insufficient to determine the role of this variant in disease. Therefore, it has been classified as a Variant of Uncertain Significance.

NM_020778.5(ALPK3):c.3719C>T (p.Pro1240Leu)

Gene: ALPK3 (alpha kinase 3; plus strand). Cytogenetic location: 15q25.3.
Variant type: single nucleotide variant.
Coding change: c.3719C>T on transcript NM_020778.5 (MANE Select); coding-DNA position 3719, C replaced by T.
Protein change: p.Pro1240Leu; replaces proline 1240 with leucine.
Molecular consequence: missense variant.
Genome position (GRCh38, 1-based): chr15:84,858,457, C>T. VCF-style: chr15-84858457-C-T. GRCh37 (hg19) VCF-style: chr15-85401688-C-T.
Other names: short protein forms P1240L.
Identifiers: ClinVar variation 3687121 (VCV003687121.2).